The following is an entry in ClinVar:

NM_006206.6(PDGFRA):c.405T>G (p.Asp135Glu)

Gene: PDGFRA (platelet derived growth factor receptor alpha; plus strand). Cytogenetic location: 4q12.
Variant type: single nucleotide variant.
Coding change: c.405T>G on transcript NM_006206.6 (MANE Select); coding-DNA position 405, T replaced by G.
Protein change: p.Asp135Glu; replaces aspartic acid 135 with glutamic acid.
Molecular consequence: missense variant.
Genome position (GRCh38, 1-based): chr4:54,263,704, T>G. VCF-style: chr4-54263704-T-G. GRCh37 (hg19) VCF-style: chr4-55129871-T-G.
Other names: c.405T>G, p.Asp135Glu (NM_001347827.2, NM_001347829.2); c.480T>G, p.Asp160Glu (NM_001347828.2); c.444T>G, p.Asp148Glu (NM_001347830.2); short protein forms D135E, D160E, D148E.
Identifiers: ClinVar variation 824550 (VCV000824550.10), dbSNP rs766197882, ClinGen allele CA2922284.
Genomic context (GRCh38, chr4:54,263,704, plus strand): 5'-CTTCATTCTTTTTTAAACCACAGACCCAGATGTAGCCTTTGTACCTCTAGGAATGACGGA[T>G]TATTTAGTCATCGTGGAGGATGATGATTCTGCCATTATACCTTGTCGCACAACTGATCCC-3'
Protein context (NP_006197.1, residues 125-145): DVAFVPLGMT[Asp135Glu]YLVIVEDDDS

ClinVar aggregate classification (germline): Uncertain significance. Review status: criteria provided, multiple submitters, no conflicts (2 of 4 stars). 2 submissions from 2 submitters: Uncertain significance (2). Last evaluated 2025-06-03.

Conditions:
Hereditary cancer-predisposing syndrome. Also called: Neoplastic Syndromes, Hereditary; Tumor predisposition; Hereditary Cancer Syndrome; Hereditary neoplastic syndrome. Identifiers: Orphanet 140162, MedGen C0027672, MeSH D009386, MONDO:0015356.
Gastrointestinal stromal tumor. Also called: Gastrointestinal stromal tumor, somatic; Gastrointestinal stroma tumor. Identifiers: Orphanet 44890, MedGen C0238198, MeSH D046152, MONDO:0011719, OMIM 606764, HP:0100723.

Allele frequency attached by ClinVar (database versions not stated): TOPMed below 0.00001; 1000 Genomes Project 30x 0.00016.
gnomAD v4.1: 1 of 1,613,910 alleles (0.000062%); highest among the groups gnomAD compares: Admixed American, 0.0017%; no homozygotes.

Submissions (2):

Labcorp Genetics (formerly Invitae), Labcorp
Classification: Uncertain significance for Gastrointestinal stromal tumor. Last evaluated: 2025-06-03. Review status: criteria provided, single submitter. Criteria: Invitae Variant Classification Sherloc (09022015). Collection method: clinical testing. Allele origin: germline.
Comment: This sequence change replaces aspartic acid, which is acidic and polar, with glutamic acid, which is acidic and polar, at codon 135 of the PDGFRA protein (p.Asp135Glu). This variant is present in population databases (rs766197882, gnomAD 0.003%). This variant has not been reported in the literature in individuals affected with PDGFRA-related conditions. ClinVar contains an entry for this variant (Variation ID: 824550). An algorithm developed to predict the effect of missense changes on protein structure and function (PolyPhen-2) suggests that this variant is likely to be tolerated. In summary, the available evidence is currently insufficient to determine the role of this variant in disease. Therefore, it has been classified as a Variant of Uncertain Significance.

Ambry Genetics
Classification: Uncertain significance for Hereditary cancer-predisposing syndrome. Last evaluated: 2025-01-08. Review status: criteria provided, single submitter. Criteria: Ambry Variant Classification Scheme 2023. Collection method: clinical testing. Allele origin: germline.
Comment: The p.D135E variant (also known as c.405T>G), located in coding exon 3 of the PDGFRA gene, results from a T to G substitution at nucleotide position 405. The aspartic acid at codon 135 is replaced by glutamic acid, an amino acid with highly similar properties. This amino acid position is well conserved in available vertebrate species. In addition, this alteration is predicted to be tolerated by in silico analysis. Since supporting evidence is limited at this time, the clinical significance of this alteration remains unclear.